The following is an entry in ClinVar:

ClinVar aggregate classification (germline): Uncertain significance. Review status: criteria provided, multiple submitters, no conflicts (2 of 4 stars). 3 submissions from 3 submitters: Uncertain significance (2). 1 of the submissions does not count toward it. Last evaluated 2024-09-24.

Conditions:
AKAP9-related disorder. Also called: AKAP9-related condition.
Cardiovascular phenotype. Identifiers: MedGen CN230736.
Long QT syndrome (LQTS). Identifiers: MedGen C0023976, MeSH D008133, MONDO:0002442. Disease mechanism: loss of function. Inheritance: Various modes of inheritance.

Allele frequency attached by ClinVar (database versions not stated): TOPMed below 0.00001; gnomAD 0.00001.
gnomAD v4.1: 11 of 1,613,972 alleles (0.00068%); highest among the groups gnomAD compares: South Asian, 0.0044%; no homozygotes.

Submissions (3):

Ambry Genetics
Classification: Uncertain significance for Cardiovascular phenotype. Last evaluated: 2024-09-24. Review status: criteria provided, single submitter. Criteria: Ambry Variant Classification Scheme 2023. Collection method: clinical testing. Allele origin: germline.
Comment: The p.L3042P variant (also known as c.9125T>C), located in coding exon 37 of the AKAP9 gene, results from a T to C substitution at nucleotide position 9125. The leucine at codon 3042 is replaced by proline, an amino acid with similar properties. This amino acid position is conserved. In addition, the in silico prediction for this alteration is inconclusive. Based on the available evidence, the clinical significance of this variant remains unclear.

Labcorp Genetics (formerly Invitae), Labcorp
Classification: Uncertain significance for Long QT syndrome. Last evaluated: 2024-02-05. Review status: criteria provided, single submitter. Criteria: Invitae Variant Classification Sherloc (09022015). Collection method: clinical testing. Allele origin: germline.
Comment: This sequence change replaces leucine, which is neutral and non-polar, with proline, which is neutral and non-polar, at codon 3042 of the AKAP9 protein (p.Leu3042Pro). This variant is present in population databases (no rsID available, gnomAD 0.0009%). This variant has not been reported in the literature in individuals affected with AKAP9-related conditions. An algorithm developed to predict the effect of missense changes on protein structure and function (PolyPhen-2) suggests that this variant is likely to be disruptive. In summary, the available evidence is currently insufficient to determine the role of this variant in disease. Therefore, it has been classified as a Variant of Uncertain Significance.

PreventionGenetics, part of Exact Sciences
Classification: Uncertain significance for AKAP9-related condition. Last evaluated: 2024-03-26. Review status: no assertion criteria provided. Collection method: clinical testing. Allele origin: germline. Not counted in ClinVar's aggregate classification.
Comment: The AKAP9 c.9125T>C variant is predicted to result in the amino acid substitution p.Leu3042Pro. To our knowledge, this variant has not been reported in the literature. This variant is reported in 0.00088% of alleles in individuals of European (Non-Finnish) descent in gnomAD. At this time, the clinical significance of this variant is uncertain due to the absence of conclusive functional and genetic evidence.

NM_005751.5(AKAP9):c.9125T>C (p.Leu3042Pro)

Gene: AKAP9 (A-kinase anchoring protein 9; plus strand). Cytogenetic location: 7q21.2.
Variant type: single nucleotide variant.
Coding change: c.9125T>C on transcript NM_005751.5 (MANE Select); coding-DNA position 9125, T replaced by C.
Protein change: p.Leu3042Pro; replaces leucine 3042 with proline.
Molecular consequence: missense variant.
Genome position (GRCh38, 1-based): chr7:92,086,328, T>C. VCF-style: chr7-92086328-T-C. GRCh37 (hg19) VCF-style: chr7-91715642-T-C.
Other names: c.3770T>C, p.Leu1257Pro (NM_001379277.1); c.9101T>C, p.Leu3034Pro (NM_147185.3); short protein forms L1257P, L3042P, L3034P.
Identifiers: ClinVar variation 3022930 (VCV003022930.5), dbSNP rs1195627112, ClinGen allele CA368143801.
Genomic context (GRCh38, chr7:92,086,328, plus strand): 5'-GGCGAGGTGAACTACTGCTTGCCCTTCAACAAGTTTTCTTAGAAGAGCGTAGTGTTTTAC[T>C]AGCAGCATTTCGGACGGAGCTGACAGCTCTAGGTACTACAGATGCAGTTGGTTTACTAAA-3'
Protein context (NP_005742.4, residues 3032-3052): QVFLEERSVL[Leu3042Pro]AAFRTELTAL